The following is an entry in ClinVar:

NM_002485.5(NBN):c.1314T>C (p.Ser438=)

Gene: NBN (nibrin; minus strand). Cytogenetic location: 8q21.3.
Variant type: single nucleotide variant.
Coding change: c.1314T>C on transcript NM_002485.5 (MANE Select); coding-DNA position 1314, T replaced by C.
Protein change: p.Ser438=; no amino-acid change (serine 438 retained).
Molecular consequence: synonymous variant.
Genome position (GRCh38, 1-based): chr8:89,955,366, A>G on the plus strand (T>C on the coding strand, the complement: NBN is on the minus strand). VCF-style: chr8-89955366-A-G. GRCh37 (hg19) VCF-style: chr8-90967594-A-G.
Other names: c.1068T>C, p.Ser356= (NM_001024688.3).
Identifiers: ClinVar variation 382946 (VCV000382946.19), dbSNP rs1057521491, ClinGen allele CA16605511.

ClinVar aggregate classification (germline): Likely benign. Review status: criteria provided, multiple submitters, no conflicts (2 of 4 stars). 4 submissions from 4 submitters: Likely benign (4). Last evaluated 2024-07-05.

Conditions:
Microcephaly, normal intelligence and immunodeficiency (NBS). Also called: Microcephaly with normal intelligence immunodeficiency and lymphoreticular malignancies; Nonsyndromal microcephaly autosomal recessive with normal intelligence; Seemanova syndrome 2; Nijmegen breakage syndrome; BERLIN BREAKAGE SYNDROME; IMMUNODEFICIENCY, MICROCEPHALY, AND CHROMOSOMAL INSTABILITY. Identifiers: Orphanet 647, MedGen C0398791, MONDO:0009623, OMIM 251260.
Hereditary cancer-predisposing syndrome. Also called: Tumor predisposition; Neoplastic Syndromes, Hereditary; Hereditary neoplastic syndrome; Hereditary Cancer Syndrome. Identifiers: Orphanet 140162, MedGen C0027672, MeSH D009386, MONDO:0015356.

Allele frequency attached by ClinVar (database versions not stated): gnomAD exomes 0.00001.
gnomAD v4.1: 4 of 1,613,796 alleles (0.00025%); highest among the groups gnomAD compares: Non-Finnish European, 0.00034%; no homozygotes.

Submissions (4):

Blueprint Genetics
Classification: Likely benign. Last evaluated: 2024-07-05. Review status: criteria provided, single submitter. Criteria: ACMG Guidelines, 2015. Collection method: clinical testing. Allele origin: germline.

Labcorp Genetics (formerly Invitae), Labcorp
Classification: Likely benign for Microcephaly, normal intelligence and immunodeficiency. Last evaluated: 2024-04-22. Review status: criteria provided, single submitter. Criteria: Invitae Variant Classification Sherloc (09022015). Collection method: clinical testing. Allele origin: germline.

Ambry Genetics
Classification: Likely benign for Hereditary cancer-predisposing syndrome. Last evaluated: 2018-07-02. Review status: criteria provided, single submitter. Criteria: Ambry Variant Classification Scheme 2023. Collection method: clinical testing. Allele origin: germline.

GeneDx
Classification: Likely benign. Last evaluated: 2016-11-29. Review status: criteria provided, single submitter. Criteria: GeneDx Variant Classification (06012015). Collection method: clinical testing. Allele origin: germline. Affected: yes.
Comment: This variant is considered likely benign or benign based on one or more of the following criteria: it is a conservative change, it occurs at a poorly conserved position in the protein, it is predicted to be benign by multiple in silico algorithms, and/or has population frequency not consistent with disease.